The following is an entry in ClinVar:

ClinVar aggregate classification (germline): Uncertain significance (1 of 4 stars; one submission).

Conditions:
MAN2B1-related disorder. Also called: MAN2B1-related condition.

gnomAD v4.1: 13 of 1,604,634 alleles (0.00081%); highest among the groups gnomAD compares: East Asian, 0.029%; no homozygotes.

Submission:

PreventionGenetics, part of Exact Sciences
Classification: Uncertain significance for MAN2B1-related condition. Last evaluated: 2025-10-19. Review status: criteria provided, single submitter. Criteria: ACMG Guidelines, 2015. Collection method: clinical testing. Allele origin: germline.
Comment: The MAN2B1 c.2579C>G variant is predicted to result in the amino acid substitution p.Ala860Gly. To our knowledge, this variant has not been reported in the literature. This variant is reported in 0.029% of alleles in individuals of East Asian descent in gnomAD. At this time, the clinical significance of this variant is uncertain due to the absence of conclusive functional and genetic evidence.

NM_000528.4(MAN2B1):c.2579C>G (p.Ala860Gly)

Gene: MAN2B1 (mannosidase alpha class 2B member 1; minus strand). Cytogenetic location: 19p13.13.
Variant type: single nucleotide variant.
Coding change: c.2579C>G on transcript NM_000528.4 (MANE Select); coding-DNA position 2579, C replaced by G.
Protein change: p.Ala860Gly; replaces alanine 860 with glycine.
Molecular consequence: missense variant.
Genome position (GRCh38, 1-based): chr19:12,648,260, G>C on the plus strand (C>G on the coding strand, the complement: MAN2B1 is on the minus strand). VCF-style: chr19-12648260-G-C. GRCh37 (hg19) VCF-style: chr19-12759074-G-C.
Other names: c.2576C>G, p.Ala859Gly (NM_001173498.2); c.2582C>G, p.Ala861Gly (NM_001440570.1); short protein forms A859G, A861G, A860G.
Identifiers: ClinVar variation 4978937 (VCV004978937.1).
Genomic context (GRCh38, chr19:12,648,260, plus strand): 5'-TTGTAGGCGGCGCCGCCACCCGGGGCCAGCACCACCTGAGGGGCCAGGACCTCCTGCTCC[G>C]CCAGGAGCCGGTGTCCGGCGGCTGCAGCCTGGGCTGTGTCCAGCAGCACCAGGTGGCGCC-3'
Protein context (NP_000519.2, residues 850-870): QAAAAGHRLL[Ala860Gly]EQEVLAPQVV